The following is an entry in ClinVar:

NC_000019.9:g.(?_3770619)_(3771740_?)dup

Gene: RAX2 (retina and anterior neural fold homeobox 2; minus strand). Cytogenetic location: 19p13.3.
Variant type: Duplication.
Identifiers: ClinVar variation 3242725 (VCV003242725.1).

ClinVar aggregate classification (germline): Uncertain significance (1 of 4 stars; one submission).

Submission:

Labcorp Genetics (formerly Invitae), Labcorp
Classification: Uncertain significance. Last evaluated: 2022-02-26. Review status: criteria provided, single submitter. Criteria: Invitae Variant Classification Sherloc (09022015). Collection method: clinical testing. Allele origin: unknown.
Comment: This variant has not been reported in the literature in individuals affected with RAX2-related conditions. In summary, the available evidence is currently insufficient to determine the role of this variant in disease. Therefore, it has been classified as a Variant of Uncertain Significance. Experimental studies and prediction algorithms are not available or were not evaluated, and the functional significance of this variant is currently unknown. A copy number gain of the genomic region encompassing the full coding sequence of the RAX2 gene has been identified. The boundaries of this event are unknown as they extend beyond the assayed region for this gene and therefore may encompass additional genes. As the precise location of this event is unknown, it may be in tandem or it may be located elsewhere in the genome.